The following is an entry in ClinVar:

ClinVar aggregate classification (germline): Uncertain significance (1 of 4 stars; one submission).

Allele frequency attached by ClinVar (database versions not stated): gnomAD exomes below 0.00001.
gnomAD v4.1: 2 of 1,613,192 alleles (0.00012%); highest among the groups gnomAD compares: Non-Finnish European, 0.00017%; no homozygotes.

Submission:

Labcorp Genetics (formerly Invitae), Labcorp
Classification: Uncertain significance. Last evaluated: 2022-09-04. Review status: criteria provided, single submitter. Criteria: Invitae Variant Classification Sherloc (09022015). Collection method: clinical testing. Allele origin: germline.
Comment: In summary, the available evidence is currently insufficient to determine the role of this variant in disease. Therefore, it has been classified as a Variant of Uncertain Significance. Advanced modeling of protein sequence and biophysical properties (such as structural, functional, and spatial information, amino acid conservation, physicochemical variation, residue mobility, and thermodynamic stability) performed at Invitae indicates that this missense variant is not expected to disrupt COL9A3 protein function. This variant has not been reported in the literature in individuals affected with COL9A3-related conditions. This variant is present in population databases (no rsID available, gnomAD 0.0009%). This sequence change replaces alanine, which is neutral and non-polar, with proline, which is neutral and non-polar, at codon 559 of the COL9A3 protein (p.Ala559Pro).

NM_001853.4(COL9A3):c.1675G>C (p.Ala559Pro)

Gene: COL9A3 (collagen type IX alpha 3 chain; plus strand). Cytogenetic location: 20q13.33.
Variant type: single nucleotide variant.
Coding change: c.1675G>C on transcript NM_001853.4 (MANE Select); coding-DNA position 1675, G replaced by C.
Protein change: p.Ala559Pro; replaces alanine 559 with proline.
Molecular consequence: missense variant.
Genome position (GRCh38, 1-based): chr20:62,837,154, G>C. VCF-style: chr20-62837154-G-C. GRCh37 (hg19) VCF-style: chr20-61468506-G-C.
Other names: short protein forms A559P.
Identifiers: ClinVar variation 1898041 (VCV001898041.5), dbSNP rs1568765610, ClinGen allele CA409599253.